The following is an entry in ClinVar:

NC_000023.11:g.(?_32362768)_(32365219_?)del

Gene: DMD (dystrophin; minus strand). Cytogenetic location: Xp21.1.
Variant type: Deletion.
Identifiers: ClinVar variation 526172 (VCV000526172.8).

ClinVar aggregate classification (germline): Likely pathogenic (1 of 4 stars; one submission).

Conditions:
Duchenne muscular dystrophy (DMD). Also called: Duchenne Muscular Dystrophy (DMD); MUSCULAR DYSTROPHY, PSEUDOHYPERTROPHIC PROGRESSIVE, DUCHENNE TYPE. Identifiers: Orphanet 98896, MedGen C0013264, MONDO:0010679, OMIM 310200.

Submission:

Labcorp Genetics (formerly Invitae), Labcorp
Classification: Likely pathogenic for Duchenne muscular dystrophy. Last evaluated: 2022-07-12. Review status: criteria provided, single submitter. Criteria: Invitae Variant Classification Sherloc (09022015). Collection method: clinical testing. Allele origin: germline.
Comment: This variant is a gross deletion of the genomic region encompassing exon(s) 35-37 of the DMD gene. This variant would be expected to be in-frame, preserving the integrity of the reading frame. A similar copy number variant has been observed in individuals with DMD-related conditions (PMID: 1785409, 22234188). Experimental studies and prediction algorithms are not available or were not evaluated, and the functional significance of this variant is currently unknown. In summary, the currently available evidence indicates that the variant is pathogenic, but additional data are needed to prove that conclusively. Therefore, this variant has been classified as Likely Pathogenic.

Literature cited by the submitters: PubMed 1785409; PubMed 22234188.